The following is an entry in ClinVar:

ClinVar aggregate classification (germline): Uncertain significance (1 of 4 stars; one submission).

Allele frequency attached by ClinVar (database versions not stated): TOPMed below 0.00001; gnomAD 0.00001.
gnomAD v4.1: 7 of 1,587,286 alleles (0.00044%); highest among the groups gnomAD compares: Admixed American, 0.0089%; no homozygotes.

Submission:

Labcorp Genetics (formerly Invitae), Labcorp
Classification: Uncertain significance. Last evaluated: 2024-02-24. Review status: criteria provided, single submitter. Criteria: Invitae Variant Classification Sherloc (09022015). Collection method: clinical testing. Allele origin: germline.
Comment: This sequence change affects codon 75 of the HES7 mRNA. It is a 'silent' change, meaning that it does not change the encoded amino acid sequence of the HES7 protein. It affects a nucleotide within the consensus splice site. The frequency data for this variant in the population databases is considered unreliable, as metrics indicate poor data quality at this position in the gnomAD database. This variant has not been reported in the literature in individuals affected with HES7-related conditions. ClinVar contains an entry for this variant (Variation ID: 1403857). Algorithms developed to predict the effect of sequence changes on RNA splicing suggest that this variant is not likely to affect RNA splicing. In summary, the available evidence is currently insufficient to determine the role of this variant in disease. Therefore, it has been classified as a Variant of Uncertain Significance.

NM_001165967.2(HES7):c.225G>T (p.Pro75=)

Gene: HES7 (hes family bHLH transcription factor 7; minus strand). Cytogenetic location: 17p13.1.
Variant type: single nucleotide variant.
Coding change: c.225G>T on transcript NM_001165967.2 (MANE Select); coding-DNA position 225, G replaced by T.
Protein change: p.Pro75=; no amino-acid change (proline 75 retained).
Molecular consequence: synonymous variant.
Genome position (GRCh38, 1-based): chr17:8,122,344, C>A on the plus strand (G>T on the coding strand, the complement: HES7 is on the minus strand). VCF-style: chr17-8122344-C-A. GRCh37 (hg19) VCF-style: chr17-8025662-C-A.
Other names: c.225G>T, p.Pro75= (NM_032580.4).
Identifiers: ClinVar variation 1403857 (VCV001403857.6), dbSNP rs747215611, ClinGen allele CA497761206.